The following is an entry in ClinVar:

NM_000890.5(KCNJ5):c.554G>C (p.Cys185Ser)

Gene: KCNJ5 (potassium inwardly rectifying channel subfamily J member 5; plus strand). Cytogenetic location: 11q24.3.
Variant type: single nucleotide variant.
Coding change: c.554G>C on transcript NM_000890.5 (MANE Select); coding-DNA position 554, G replaced by C.
Protein change: p.Cys185Ser; replaces cysteine 185 with serine.
Molecular consequence: missense variant.
Genome position (GRCh38, 1-based): chr11:128,911,827, G>C. VCF-style: chr11-128911827-G-C. GRCh37 (hg19) VCF-style: chr11-128781722-G-C.
Other names: c.554G>C, p.Cys185Ser (NM_001354169.2); short protein forms C185S.
Identifiers: ClinVar variation 2170162 (VCV002170162.5), dbSNP rs760375676, ClinGen allele CA383249019.

ClinVar aggregate classification (germline): Uncertain significance. Review status: criteria provided, multiple submitters, no conflicts (2 of 4 stars). 2 submissions from 2 submitters: Uncertain significance (2). Last evaluated 2024-05-13.

Conditions:
Familial hyperaldosteronism type III. Also called: Familial hyperaldosteronism type 3; FH III. Identifiers: Orphanet 251274, MedGen C3838758, MONDO:0013359, OMIM 613677.
Long QT syndrome 13 (LQT13). Identifiers: Orphanet 101016, Orphanet 768, MedGen C3150733, MONDO:0013279, OMIM 613485.
Long QT syndrome (LQTS). Identifiers: MedGen C0023976, MeSH D008133, MONDO:0002442. Disease mechanism: loss of function. Inheritance: Various modes of inheritance.

gnomAD v4.1: 6 of 1,614,156 alleles (0.00037%); highest among the groups gnomAD compares: Non-Finnish European, 0.00051%; no homozygotes.

Submissions (2):

Fulgent Genetics
Classification: Uncertain significance for Long QT syndrome 13; Familial hyperaldosteronism type III. Last evaluated: 2024-05-13. Review status: criteria provided, single submitter. Criteria: ACMG Guidelines, 2015. Collection method: clinical testing. Allele origin: germline.

Labcorp Genetics (formerly Invitae), Labcorp
Classification: Uncertain significance for Long QT syndrome. Last evaluated: 2022-06-08. Review status: criteria provided, single submitter. Criteria: Invitae Variant Classification Sherloc (09022015). Collection method: clinical testing. Allele origin: germline.
Comment: This variant has not been reported in the literature in individuals affected with KCNJ5-related conditions. This sequence change replaces cysteine, which is neutral and slightly polar, with serine, which is neutral and polar, at codon 185 of the KCNJ5 protein (p.Cys185Ser). This variant is not present in population databases (gnomAD no frequency). Advanced modeling of protein sequence and biophysical properties (such as structural, functional, and spatial information, amino acid conservation, physicochemical variation, residue mobility, and thermodynamic stability) performed at Invitae indicates that this missense variant is expected to disrupt KCNJ5 protein function. In summary, the available evidence is currently insufficient to determine the role of this variant in disease. Therefore, it has been classified as a Variant of Uncertain Significance.